The following is an entry in ClinVar:

ClinVar aggregate classification (germline): Uncertain significance. Review status: criteria provided, multiple submitters, no conflicts (2 of 4 stars). 2 submissions from 2 submitters: Uncertain significance (2). Last evaluated 2026-01-07.

Conditions:
SEMA3A-related disorder. Also called: SEMA3A-related condition.
Inborn genetic diseases. Identifiers: MedGen C0950123, MeSH D030342.

gnomAD v4.1: 9 of 1,613,640 alleles (0.00056%); highest among the groups gnomAD compares: African/African-American, 0.012%; no homozygotes.

Submissions (2):

PreventionGenetics, part of Exact Sciences
Classification: Uncertain significance for SEMA3A-related condition. Last evaluated: 2026-01-07. Review status: criteria provided, single submitter. Criteria: ACMG Guidelines, 2015. Collection method: clinical testing. Allele origin: germline.
Comment: The SEMA3A c.155C>A variant is predicted to result in the amino acid substitution p.Ala52Asp. To our knowledge, this variant has not been reported in the literature. This variant is reported in 0.031% of alleles in individuals of African descent in gnomAD. At this time, the clinical significance of this variant is uncertain due to the absence of conclusive functional and genetic evidence.

Ambry Genetics
Classification: Uncertain significance for Inborn genetic diseases. Last evaluated: 2025-08-05. Review status: criteria provided, single submitter. Criteria: Ambry Variant Classification Scheme 2023. Collection method: clinical testing. Allele origin: germline.

NM_006080.3(SEMA3A):c.155C>A (p.Ala52Asp)

Gene: SEMA3A (semaphorin 3A; minus strand). Cytogenetic location: 7q21.11.
Variant type: single nucleotide variant.
Coding change: c.155C>A on transcript NM_006080.3 (MANE Select); coding-DNA position 155, C replaced by A.
Protein change: p.Ala52Asp; replaces alanine 52 with aspartic acid.
Molecular consequence: missense variant.
Genome position (GRCh38, 1-based): chr7:84,134,909, G>T on the plus strand (C>A on the coding strand, the complement: SEMA3A is on the minus strand). VCF-style: chr7-84134909-G-T. GRCh37 (hg19) VCF-style: chr7-83764225-G-T.
Other names: short protein forms A52D.
Identifiers: ClinVar variation 4162092 (VCV004162092.2).